The following is an entry in ClinVar:

ClinVar aggregate classification (germline): Conflicting classifications of pathogenicity. Review status: criteria provided, conflicting classifications (1 of 4 stars). 7 submissions from 7 submitters: Uncertain significance (4); Benign (1); Likely benign (1). 1 of the submissions does not count toward it. Last evaluated 2026-02-04.

Conditions:
Bone fragility with contractures, arterial rupture, and deafness. Also called: LH3 DEFICIENCY; LYSYL HYDROXYLASE 3 DEFICIENCY; BCARD SYNDROME; BONE ABNORMALITIES, CATARACT, ARTERIAL RUPTURE, AND DEAFNESS. Identifiers: Orphanet 300284, MedGen C2676285, MONDO:0012892, OMIM 612394.
PLOD3-related disorder. Also called: PLOD3-related condition.
Hemorrhage, intracerebral, susceptibility to (ICH). Also called: Stroke, hemorrhagic, susceptibility to. Identifiers: MedGen C3281105, MONDO:0100533, OMIM 614519.

Allele frequency attached by ClinVar (database versions not stated): ExAC 0.00050; gnomAD 0.00052 and 0.00044; gnomAD exomes 0.00053; 1000 Genomes Project 0.00060; TOPMed 0.00064; ESP Exome Variant Server 0.00031; 1000 Genomes Project 30x 0.00047.
gnomAD v4.1: 906 of 1,614,192 alleles (0.056%); highest among the groups gnomAD compares: South Asian, 0.17%; 12 homozygotes.

Submissions (7):

Labcorp Genetics (formerly Invitae), Labcorp
Classification: Benign. Last evaluated: 2026-02-04. Review status: criteria provided, single submitter. Criteria: Invitae Variant Classification Sherloc (09022015). Collection method: clinical testing. Allele origin: germline.

GeneDx
Classification: Uncertain significance. Last evaluated: 2025-02-12. Review status: criteria provided, single submitter. Criteria: GeneDx Variant Classification Process June 2021. Collection method: clinical testing. Allele origin: germline. Affected: yes.
Comment: Reported with a second PLOD3 variant on the opposite allele (in trans) in a fetus with intracerebral hemorrhage in published literature (PMID: 36403858); In silico analysis supports that this missense variant has a deleterious effect on protein structure/function; This variant is associated with the following publications: (PMID: 36403858)

Blueprint Genetics
Classification: Likely benign. Last evaluated: 2024-11-27. Review status: criteria provided, single submitter. Criteria: ACMG Guidelines, 2015. Collection method: clinical testing. Allele origin: germline.

Neurovascular Genetics Laboratory, Assistance Publique - Hôpitaux de Paris
Classification: Uncertain significance for Hemorrhage, intracerebral, susceptibility to. Last evaluated: 2022-08-05. Review status: criteria provided, single submitter. Criteria: ACMG Guidelines, 2015. Collection method: research. Allele origin: germline. Affected: yes.

ARUP Laboratories, Molecular Genetics and Genomics, ARUP Laboratories
Classification: Uncertain significance for Bone fragility with contractures, arterial rupture, and deafness. Last evaluated: 2022-03-02. Review status: criteria provided, single submitter. Criteria: ARUP Molecular Germline Variant Investigation Process 2021. Collection method: clinical testing. Allele origin: germline.
Comment: The PLOD3 c.1466C>T; p.Pro489Leu variant is not reported in the medical literature, in the ClinVar database, or in gene-specific databases. The variant is listed in the dbSNP variant database (rs145508748), in the Exome Variant Server with an allele frequency of 0.0308 percent (4/13002 alleles), and in the Genome Aggregation Database with an allele frequency of 0.05161 percent (143/277082 alleles, 3 homozygotes). The proline at this position is conserved across species and computational algorithms (PolyPhen2, SIFT) predict this variant is deleterious. Considering available information, the clinical significance of this variant cannot be determined with certainty.

CeGaT Center for Human Genetics Tuebingen
Classification: Uncertain significance. Last evaluated: 2018-04-01. Review status: criteria provided, single submitter. Criteria: CeGaT Center For Human Genetics Tuebingen Variant Classification Criteria Version 2. Collection method: clinical testing. Allele origin: germline. Affected: yes. Observed: 1 variant allele.

PreventionGenetics, part of Exact Sciences
Classification: Likely benign for PLOD3-related condition. Last evaluated: 2023-07-22. Review status: no assertion criteria provided. Collection method: clinical testing. Allele origin: germline. Not counted in ClinVar's aggregate classification.
Comment: This variant is classified as likely benign based on ACMG/AMP sequence variant interpretation guidelines (Richards et al. 2015 PMID: 25741868, with internal and published modifications).

NM_001084.5(PLOD3):c.1466C>T (p.Pro489Leu)

Gene: PLOD3 (procollagen-lysine,2-oxoglutarate 5-dioxygenase 3; minus strand). Cytogenetic location: 7q22.1.
Variant type: single nucleotide variant.
Coding change: c.1466C>T on transcript NM_001084.5 (MANE Select); coding-DNA position 1466, C replaced by T.
Protein change: p.Pro489Leu; replaces proline 489 with leucine.
Molecular consequence: missense variant.
Genome position (GRCh38, 1-based): chr7:101,210,566, G>A on the plus strand (C>T on the coding strand, the complement: PLOD3 is on the minus strand). VCF-style: chr7-101210566-G-A. GRCh37 (hg19) VCF-style: chr7-100853847-G-A.
Other names: short protein forms P489L.
Identifiers: ClinVar variation 618838 (VCV000618838.60), dbSNP rs145508748, ClinGen allele CA4407671.